The following is an entry in ClinVar:

ClinVar aggregate classification (germline): Pathogenic (1 of 4 stars; one submission).

Conditions:
Axenfeld-Rieger syndrome type 3 (RIEG3). Also called: AXENFELD-RIEGER ANOMALY WITH CARDIAC DEFECTS AND/OR SENSORINEURAL HEARING LOSS. Identifiers: Orphanet 782, MedGen C2678503, MONDO:0011233, OMIM 602482.

Submission:

Labcorp Genetics (formerly Invitae), Labcorp
Classification: Pathogenic for Axenfeld-Rieger syndrome type 3. Last evaluated: 2024-12-09. Review status: criteria provided, single submitter. Criteria: Invitae Variant Classification Sherloc (09022015). Collection method: clinical testing. Allele origin: germline.
Comment: This sequence change creates a premature translational stop signal (p.Gly36Argfs*47) in the FOXC1 gene. While this is not anticipated to result in nonsense mediated decay, it is expected to disrupt the last 518 amino acid(s) of the FOXC1 protein. This variant is not present in population databases (gnomAD no frequency). This variant has not been reported in the literature in individuals affected with FOXC1-related conditions. ClinVar contains an entry for this variant (Variation ID: 2017556). This variant disrupts a region of the FOXC1 protein in which other variant(s) (p.Ser320Argfs*81) have been determined to be pathogenic (internal data). This suggests that this is a clinically significant region of the protein, and that variants that disrupt it are likely to be disease-causing. For these reasons, this variant has been classified as Pathogenic.

NM_001453.3(FOXC1):c.104_105insT (p.Gly36fs)

Gene: FOXC1 (forkhead box C1; plus strand). Cytogenetic location: 6p25.3.
Variant type: Insertion.
Coding change: c.104_105insT on transcript NM_001453.3 (MANE Select); coding-DNA positions 104 to 105, T inserted.
Protein change: p.Gly36fs; shifts the reading frame from glycine 36.
Molecular consequence: frameshift variant.
Genome position: GRCh38 VCF-style: chr6-1610549-G-GT. GRCh37 (hg19) VCF-style: chr6-1610784-G-GT.
Other names: short protein forms G36fs.
Identifiers: ClinVar variation 2017556 (VCV002017556.4), dbSNP rs2480501511, ClinGen allele CA2580074183.